The following is an entry in ClinVar:

NM_018180.3(DHX32):c.1284C>T (p.Ser428=)

Genes: BCCIP (BRCA2 and CDKN1A interacting protein; plus strand), DHX32 (DEAH-box helicase 32 (putative); minus strand). Cytogenetic location: 10q26.2.
Variant type: single nucleotide variant.
Coding change: c.1284C>T on transcript NM_018180.3 (MANE Select); coding-DNA position 1284, C replaced by T.
Protein change: p.Ser428=; no amino-acid change (serine 428 retained).
Molecular consequence: synonymous variant. On other transcripts: intron variant (1).
Genome position (GRCh38, 1-based): chr10:125,852,360, G>A on the plus strand (C>T on the coding strand, the complement: DHX32 is on the minus strand). VCF-style: chr10-125852360-G-A. GRCh37 (hg19) VCF-style: chr10-127540929-G-A.
Other names: c.851-765G>A (NM_016567.4).
Identifiers: ClinVar variation 1965135 (VCV001965135.5), dbSNP rs1183702644, ClinGen allele CA471799712.
Genomic context (GRCh38, chr10:125,852,360, plus strand): 5'-GTTCATGAAGTCACAGTGGCCTAGGCCCGCAATGTCTATCCTCTTCATAAAAAGCACCAT[G>A]CTTGTTAGGTTGGCTTCCTGCATTTCTGCTGGCTTCAGTGGCGTCATGTCTTTGGAGGCA-3'
Protein context (NP_060650.2, residues 418-438): PAEMQEANLT[Ser428=]MVLFMKRIDI

ClinVar aggregate classification (germline): Uncertain significance (1 of 4 stars; one submission).

Allele frequency attached by ClinVar (database versions not stated): gnomAD exomes 0.00001; TOPMed below 0.00001.
gnomAD v4.1: 8 of 1,614,186 alleles (0.0005%); highest among the groups gnomAD compares: Non-Finnish European, 0.00068%; no homozygotes.

Submission:

Labcorp Genetics (formerly Invitae), Labcorp
Classification: Uncertain significance. Last evaluated: 2023-01-25. Review status: criteria provided, single submitter. Criteria: Invitae Variant Classification Sherloc (09022015). Collection method: clinical testing. Allele origin: germline.
Comment: In summary, the available evidence is currently insufficient to determine the role of this variant in disease. Therefore, it has been classified as a Variant of Uncertain Significance. Algorithms developed to predict the effect of sequence changes on RNA splicing suggest that this variant may disrupt the consensus splice site. This variant has not been reported in the literature in individuals affected with DHX32-related conditions. This variant is present in population databases (no rsID available, gnomAD 0.0009%). This sequence change affects codon 428 of the DHX32 mRNA. It is a 'silent' change, meaning that it does not change the encoded amino acid sequence of the DHX32 protein.